The following is an entry in ClinVar:

NM_005670.4(EPM2A):c.512G>A (p.Arg171His)

Gene: EPM2A (EPM2A glucan phosphatase, laforin; minus strand). Cytogenetic location: 6q24.3.
Variant type: single nucleotide variant.
Coding change: c.512G>A on transcript NM_005670.4 (MANE Select); coding-DNA position 512, G replaced by A.
Protein change: p.Arg171His; replaces arginine 171 with histidine.
Molecular consequence: missense variant. On other transcripts: intron variant (1).
Genome position (GRCh38, 1-based): chr6:145,635,451, C>T on the plus strand (G>A on the coding strand, the complement: EPM2A is on the minus strand). VCF-style: chr6-145635451-C-T. GRCh37 (hg19) VCF-style: chr6-145956587-C-T.
Other names: NM_005670.4(EPM2A):c.512G>A; c.512G>A, p.Arg171His (NM_001018041.2, NM_001368130.1); c.98G>A, p.Arg33His (NM_001360064.2, NM_001360071.2, NM_001368131.1); c.50G>A, p.Arg17His (NM_001368129.2, NM_001368132.1); c.477-7758G>A (NM_001360057.2); short protein forms R171H, R17H, R33H.
Identifiers: ClinVar variation 3102 (VCV000003102.17), dbSNP rs137852916, ClinGen allele CA252546.

ClinVar aggregate classification (germline): Pathogenic/Likely pathogenic. Review status: criteria provided, multiple submitters, no conflicts (2 of 4 stars). 8 submissions from 8 submitters: Pathogenic (1); Likely pathogenic (4). 3 of the submissions do not count toward it. Last evaluated 2025-11-19.

Conditions:
EPM2A-related disorders.
Myoclonic epilepsy of Lafora 1 (MELF1). Also called: LAFORA DISEASE 1; Epilepsy, progressive myoclonic 2A (Lafora); EPM2A-Related Lafora Disease; EPILEPSY, PROGRESSIVE MYOCLONIC, 2A. Identifiers: MedGen CN377204, MONDO:0958199, OMIM 254780.
Inborn genetic diseases. Identifiers: MedGen C0950123, MeSH D030342.
Progressive myoclonic epilepsy. Also called: Familial progressive myoclonic epilepsy; Myoclonus epilepsy; Progressive myoclonus epilepsy; Myoclonic Epilepsies, Progressive. Identifiers: Orphanet 308, Orphanet 98261, MedGen C0751778, MONDO:0020074.
Lafora disease. Also called: Epilepsy progressive myoclonic 2; Progressive Myoclonus Epilepsy, Lafora Type. Identifiers: Orphanet 501, MedGen C0751783, MONDO:0009697.

Allele frequency attached by ClinVar (database versions not stated): gnomAD 0.00001; gnomAD exomes 0.00001 and 0.00002; TOPMed 0.00002; ExAC 0.00003.
gnomAD v4.1: 23 of 1,613,816 alleles (0.0014%); highest among the groups gnomAD compares: East Asian, 0.0022%; no homozygotes.

Submissions (8):

Labcorp Genetics (formerly Invitae), Labcorp
Classification: Likely pathogenic for Progressive myoclonic epilepsy. Last evaluated: 2025-11-19. Review status: criteria provided, single submitter. Criteria: Invitae Variant Classification Sherloc (09022015). Collection method: clinical testing. Allele origin: germline.
Comment: This sequence change replaces arginine, which is basic and polar, with histidine, which is basic and polar, at codon 171 of the EPM2A protein (p.Arg171His). This variant is present in population databases (rs137852916, gnomAD 0.004%). This missense change has been observed in individual(s) with Lafora disease (PMID: 9931343, 10932264, 12019207, 34568804). ClinVar contains an entry for this variant (Variation ID: 3102). Invitae Evidence Modeling of protein sequence and biophysical properties (such as structural, functional, and spatial information, amino acid conservation, physicochemical variation, residue mobility, and thermodynamic stability) has been performed for this missense variant. However, the output from this modeling did not meet the statistical confidence thresholds required to predict the impact of this variant on EPM2A protein function. Experimental studies have shown that this missense change affects EPM2A function (PMID: 25544560). In summary, the currently available evidence indicates that the variant is pathogenic, but additional data are needed to prove that conclusively. Therefore, this variant has been classified as Likely Pathogenic.

Ambry Genetics
Classification: Likely pathogenic for Inborn genetic diseases. Last evaluated: 2025-10-22. Review status: criteria provided, single submitter. Criteria: Ambry Variant Classification Scheme 2023. Collection method: clinical testing. Allele origin: germline.
Comment: The c.512G>A (p.R171H) alteration is located in exon 3 (coding exon 3) of the EPM2A gene. This alteration results from a G to A substitution at nucleotide position 512, causing the arginine (R) at amino acid position 171 to be replaced by a histidine (H). Based on data from gnomAD, the A allele has an overall frequency of 0.002% (5/251448) total alleles studied. The highest observed frequency was 0.004% (4/113728) of European (non-Finnish) alleles. This variant has been identified in the homozygous state and/or in conjunction with other EPM2A variant(s) in individual(s) with features consistent with EPM2A-related progressive myoclonic epilepsy (Serratosa, 1999; Zaganas, 2021; external communication). This amino acid position is highly conserved in available vertebrate species. This alteration is predicted to be deleterious by in silico analysis. Based on the available evidence, this alteration is classified as likely pathogenic.

GeneDx
Classification: Pathogenic. Last evaluated: 2025-03-04. Review status: criteria provided, single submitter. Criteria: GeneDx Variant Classification Process June 2021. Collection method: clinical testing. Allele origin: germline. Affected: yes.
Comment: Published functional studies demonstrate significantly impaired glycogen phosphatase activity (PMID: 25544560); In silico analysis supports that this missense variant has a deleterious effect on protein structure/function; Not observed at significant frequency in large population cohorts (gnomAD); This variant is associated with the following publications: (PMID: 36303102, 10932264, 27702709, 12019207, 9931343, 35051734, 11175283, 11579433, 14722920, 19267391, 25544560, 34568804)

Broad Center for Mendelian Genomics, Broad Institute of MIT and Harvard
Classification: Likely pathogenic for Lafora disease. Last evaluated: 2025-01-06. Review status: criteria provided, single submitter. Criteria: ACMG Guidelines, 2015. Collection method: curation. Allele origin: germline. Inheritance: Autosomal recessive inheritance.
Comment: The p.Arg171His variant in EPM2A has been reported in five individuals with Lafora disease (PMID: 9931343, 10932264, 12019207, 14722920, 34568804), and has been identified in in 0.003% (1/62476) of East Asian chromosomes by the Genome Aggregation Database (gnomAD; dbSNP ID: rs137852916). Although this variant has been seen in the general population in a heterozygous state, its frequency is not high enough to rule out a pathogenic role. This variant has also been reported in ClinVar (Variation ID: 3102) and has been interpreted as a variant of uncertain significance by Invitae and as pathogenic by OMIM. Of the five affected individuals, two of those were homozygotes, which increases the likelihood that the p.Arg171His variant is pathogenic (PMID: 34568804, 9931343). In vitro functional studies provide some evidence that the p.Arg171His variant may slightly impact protein function (PMID: 11001928, 25544560). However, these types of assays may not accurately represent biological function. Computational prediction tools and conservation analyses suggest that this variant may impact the protein, though this information is not predictive enough to determine pathogenicity. The phenotypes of two individuals compound heterozygous or homozygous for this variant are highly specific for Lafora disease based on Lafora bodies identified via biopsy consistent with disease (PMID: 11175283, 10932264, 34568804). In summary, although additional studies are required to fully establish its clinical significance, this variant is likely pathogenic for autosomal recessive Lafora disease. ACMG/AMP Criteria applied: PP3_moderate, PP4, PM2_supporting, PM3, PS3_supporting (Richards 2015).

Blueprint Genetics
Classification: Likely pathogenic for EPM2A-related disorders. Last evaluated: 2018-08-06. Review status: criteria provided, single submitter. Criteria: ACMG Guidelines, 2015. Collection method: clinical testing. Allele origin: germline. Affected: yes. Observed: 1 variant allele.

Genetics and Genomic Medicine Centre, NeuroGen Healthcare, NeuroGen Healthcare
Classification: Pathogenic. Last evaluated: 2022-01-20. Review status: no assertion criteria provided. Collection method: clinical testing. Allele origin: unknown. Affected: yes. Not counted in ClinVar's aggregate classification.

OMIM
Classification: Pathogenic for MYOCLONIC EPILEPSY OF LAFORA 1. Last evaluated: 2005-10-01. Review status: no assertion criteria provided. Collection method: literature only. Allele origin: germline. Not counted in ClinVar's aggregate classification.

GeneReviews
No classification provided. Condition: Lafora disease. Review status: no classification provided. Collection method: literature only. Allele origin: germline. Not counted in ClinVar's aggregate classification.

Literature cited by the submitters: PubMed 9931343 (cited by 3 submitters); PubMed 10932264 (cited by Labcorp Genetics (formerly Invitae), Labcorp); PubMed 12019207 (cited by Labcorp Genetics (formerly Invitae), Labcorp); PubMed 34568804 (cited by Labcorp Genetics (formerly Invitae), Labcorp and Ambry Genetics); PubMed 25544560 (cited by Labcorp Genetics (formerly Invitae), Labcorp); PubMed 16134145 (cited by OMIM); NCBI Bookshelf NBK1389 (cited by GeneReviews).